The following is an entry in ClinVar:

ClinVar aggregate classification (germline): Uncertain significance (0 of 4 stars; one submission).

Allele frequency attached by ClinVar (database versions not stated): gnomAD exomes below 0.00001 and 0.00001; TOPMed below 0.00001.
gnomAD v4.1: 7 of 1,612,400 alleles (0.00043%); highest among the groups gnomAD compares: Non-Finnish European, 0.00059%; no homozygotes.

Submission:

Department of Pathology and Laboratory Medicine, Sinai Health System
Classification: Uncertain significance. Review status: no assertion criteria provided. Collection method: clinical testing. Allele origin: unknown. Affected: yes. Study: The Canadian Open Genetics Repository (COGR).
Comment: The NEB p.Arg7254Ile variant was not identified in the literature nor was it identified in ClinVar, Cosmic or LOVD 3.0. The variant was identified in dbSNP (ID: rs913038475) and in control databases in 1 of 249060 chromosomes at a frequency of 0.000004 (Genome Aggregation Database Feb 27, 2017). The variant was observed in the following population: European (non-Finnish) in 1 of 112878 chromosomes (freq: 0.000009); it was not observed in the African, Latino, Ashkenazi Jewish, East Asian, European (Finnish), Other, and South Asian populations. The p.Arg7254 residue is conserved in mammals but not in more distantly related organisms, and 4 out of 5 computational analyses (PolyPhen-2, SIFT, BLOSUM, MutationTaster) suggest that the variant may impact the protein; however, this information is not predictive enough to assume pathogenicity. The variant occurs outside of the splicing consensus sequence and 4 of 4 in silico or computational prediction software programs (SpliceSiteFinder, MaxEntScan, NNSPLICE, GeneSplicer) do not predict a change in splicing. In summary, based on the above information the clinical significance of this variant cannot be determined with certainty at this time. This variant is classified as a variant of uncertain significance.

NM_001164508.2(NEB):c.21656G>T (p.Arg7219Ile)

Genes: NEB (nebulin; minus strand), RIF1 (replication timing regulatory factor 1; plus strand). Cytogenetic location: 2q23.3.
Variant type: single nucleotide variant.
Coding change: c.21656G>T on transcript NM_001164508.2 (MANE Select); coding-DNA position 21656, G replaced by T.
Protein change: p.Arg7219Ile; replaces arginine 7219 with isoleucine.
Molecular consequence: missense variant.
Genome position (GRCh38, 1-based): chr2:151,529,289, C>A on the plus strand (G>T on the coding strand, the complement: NEB is on the minus strand). VCF-style: chr2-151529289-C-A. GRCh37 (hg19) VCF-style: chr2-152385803-C-A.
Other names: c.21656G>T, p.Arg7219Ile (NM_001164507.2); c.21761G>T, p.Arg7254Ile (NM_001271208.2); c.16553G>T, p.Arg5518Ile (NM_004543.5); short protein forms R5518I, R7219I, R7254I.
Identifiers: ClinVar variation 1050368 (VCV001050368.1), dbSNP rs913038475, ClinGen allele CA57631204.
Genomic context (GRCh38, chr2:151,529,289, plus strand): 5'-GCGTCCTTGGCTGCTTTGATATGAACAGCATCTGGCTCAATGGTGCAGTTGGATTTATTT[C>A]TTTGGTATACTTCTTTGTATTTCAGCTGTGGGAGGAAACACAGTGACAAGATTAATTTTT-3'
Protein context (NP_001157980.2, residues 7209-7229): SDLKYKEVYQ[Arg7219Ile]NKSNCTIEPD